The following is an entry in ClinVar:

NM_030665.4(RAI1):c.4649C>T (p.Ser1550Phe)

Gene: RAI1 (retinoic acid induced 1; plus strand). Cytogenetic location: 17p11.2.
Variant type: single nucleotide variant.
Coding change: c.4649C>T on transcript NM_030665.4 (MANE Select); coding-DNA position 4649, C replaced by T.
Protein change: p.Ser1550Phe; replaces serine 1550 with phenylalanine.
Molecular consequence: missense variant.
Genome position (GRCh38, 1-based): chr17:17,797,597, C>T. VCF-style: chr17-17797597-C-T. GRCh37 (hg19) VCF-style: chr17-17700911-C-T.
Other names: short protein forms S1550F.
Identifiers: ClinVar variation 2142136 (VCV002142136.4), dbSNP rs2543621473, ClinGen allele CA398557213.

ClinVar aggregate classification (germline): Uncertain significance (1 of 4 stars; one submission).

gnomAD v4.1: 1 of 1,614,040 alleles (0.000062%); highest among the groups gnomAD compares: Non-Finnish European, 0.000085%; no homozygotes.

Submission:

Labcorp Genetics (formerly Invitae), Labcorp
Classification: Uncertain significance. Last evaluated: 2022-09-30. Review status: criteria provided, single submitter. Criteria: Invitae Variant Classification Sherloc (09022015). Collection method: clinical testing. Allele origin: germline.
Comment: In summary, the available evidence is currently insufficient to determine the role of this variant in disease. Therefore, it has been classified as a Variant of Uncertain Significance. Advanced modeling of protein sequence and biophysical properties (such as structural, functional, and spatial information, amino acid conservation, physicochemical variation, residue mobility, and thermodynamic stability) performed at Invitae indicates that this missense variant is not expected to disrupt RAI1 protein function. This variant has not been reported in the literature in individuals affected with RAI1-related conditions. This variant is not present in population databases (gnomAD no frequency). This sequence change replaces serine, which is neutral and polar, with phenylalanine, which is neutral and non-polar, at codon 1550 of the RAI1 protein (p.Ser1550Phe).